The following is an entry in ClinVar:

NM_014140.4(SMARCAL1):c.2712G>A (p.Glu904=)

Gene: SMARCAL1 (SNF2 related chromatin remodeling annealing helicase 1; plus strand). Cytogenetic location: 2q35.
Variant type: single nucleotide variant.
Coding change: c.2712G>A on transcript NM_014140.4 (MANE Select); coding-DNA position 2712, G replaced by A.
Protein change: p.Glu904=; no amino-acid change (glutamic acid 904 retained).
Molecular consequence: synonymous variant.
Genome position (GRCh38, 1-based): chr2:216,482,824, G>A. VCF-style: chr2-216482824-G-A. GRCh37 (hg19) VCF-style: chr2-217347547-G-A.
Other names: c.2712G>A, p.Glu904= (NM_001127207.2).
Identifiers: ClinVar variation 463149 (VCV000463149.14), dbSNP rs150767214, ClinGen allele CA2098291.
Genomic context (GRCh38, chr2:216,482,824, plus strand): 5'-CCTATTCCAGAAGTCCTTTGAGAAAGAAGGAAGTGATATGGAGCTCCTGGAAGCAGCAGA[G>A]TCCTTTGACCCAGGAAGTGCTTCAGGAACATCTGGAAGTAGTTCCCAGAACATGGGAGAC-3'
Protein context (NP_054859.2, residues 894-914): GSDMELLEAA[Glu904=]SFDPGSASGT

ClinVar aggregate classification (germline): Likely benign. Review status: criteria provided, multiple submitters, no conflicts (2 of 4 stars). 3 submissions from 3 submitters: Likely benign (2). 1 of the submissions does not count toward it. Last evaluated 2026-01-24.

Conditions:
SMARCAL1-related disorder. Also called: SMARCAL1-related condition.
Schimke immuno-osseous dysplasia (SIOD). Also called: Schimke Immunoosseous Dysplasia. Identifiers: Orphanet 1830, MedGen C0877024, MONDO:0009458, OMIM 242900.

Allele frequency attached by ClinVar (database versions not stated): gnomAD exomes 0.00001 and 0.00002; ExAC 0.00002; ESP Exome Variant Server 0.00008; gnomAD 0.00009; TOPMed 0.00011; 1000 Genomes Project 0.00040; 1000 Genomes Project 30x 0.00062.
gnomAD v4.1: 22 of 1,614,172 alleles (0.0014%); highest among the groups gnomAD compares: African/African-American, 0.029%; no homozygotes.

Submissions (3):

Labcorp Genetics (formerly Invitae), Labcorp
Classification: Likely benign for Schimke immuno-osseous dysplasia. Last evaluated: 2026-01-24. Review status: criteria provided, single submitter. Criteria: Invitae Variant Classification Sherloc (09022015). Collection method: clinical testing. Allele origin: germline.

Fulgent Genetics
Classification: Likely benign for Schimke immuno-osseous dysplasia. Last evaluated: 2022-01-13. Review status: criteria provided, single submitter. Criteria: ACMG Guidelines, 2015. Collection method: clinical testing. Allele origin: unknown.

PreventionGenetics, part of Exact Sciences
Classification: Likely benign for SMARCAL1-related condition. Last evaluated: 2022-12-19. Review status: no assertion criteria provided. Collection method: clinical testing. Allele origin: germline. Not counted in ClinVar's aggregate classification.
Comment: This variant is classified as likely benign based on ACMG/AMP sequence variant interpretation guidelines (Richards et al. 2015 PMID: 25741868, with internal and published modifications).